The following is an entry in ClinVar:

NM_001365536.1(SCN9A):c.448G>A (p.Asp150Asn)

Gene: SCN9A (sodium voltage-gated channel alpha subunit 9; minus strand). Cytogenetic location: 2q24.3.
Variant type: single nucleotide variant.
Coding change: c.448G>A on transcript NM_001365536.1 (MANE Select); coding-DNA position 448, G replaced by A.
Protein change: p.Asp150Asn; replaces aspartic acid 150 with asparagine.
Molecular consequence: missense variant.
Genome position (GRCh38, 1-based): chr2:166,306,529, C>T on the plus strand (G>A on the coding strand, the complement: SCN9A is on the minus strand). VCF-style: chr2-166306529-C-T. GRCh37 (hg19) VCF-style: chr2-167163039-C-T.
Other names: c.448G>A, p.Asp150Asn (NM_002977.4); short protein forms D150N.
Identifiers: ClinVar variation 3751844 (VCV003751844.2).
Genomic context (GRCh38, chr2:166,306,529, plus strand): 5'-TAATACCAAAACTATATTAAAATGTACTTATACCCACTTACTCGACATTTTTGGTCCAGT[C>T]CGGTGGGTTATTCATGGTCATAAATATGCAGTTTGTCAGAATAGTGCACATGATGAGCAT-3'
Protein context (NP_001352465.1, residues 140-160): CIFMTMNNPP[Asp150Asn]WTKNVEYTFT

ClinVar aggregate classification (germline): Uncertain significance (1 of 4 stars; one submission).

Conditions:
Neuropathy, hereditary sensory and autonomic, type 2A (HSAN2A). Also called: MORVAN DISEASE; NEUROPATHY, CONGENITAL SENSORY; NEUROPATHY, HEREDITARY SENSORY RADICULAR, AUTOSOMAL RECESSIVE; NEUROPATHY, HEREDITARY SENSORY, TYPE IIA; NEUROPATHY, PROGRESSIVE SENSORY, OF CHILDREN; ACROOSTEOLYSIS, GIACCAI TYPE. Identifiers: Orphanet 970, MedGen C2752089, MONDO:0024309, OMIM 201300.
Generalized epilepsy with febrile seizures plus, type 7 (GEFSP7). Also called: GEFS+, TYPE 7. Identifiers: Orphanet 36387, MedGen C2751778, MONDO:0013470, OMIM 613863.

gnomAD v4.1: 3 of 1,570,994 alleles (0.00019%); highest among the groups gnomAD compares: Non-Finnish European, 0.00026%; no homozygotes.

Submission:

Labcorp Genetics (formerly Invitae), Labcorp
Classification: Uncertain significance for Neuropathy, hereditary sensory and autonomic, type 2A; Generalized epilepsy with febrile seizures plus, type 7. Last evaluated: 2024-10-15. Review status: criteria provided, single submitter. Criteria: Invitae Variant Classification Sherloc (09022015). Collection method: clinical testing. Allele origin: germline.
Comment: This sequence change replaces aspartic acid, which is acidic and polar, with asparagine, which is neutral and polar, at codon 150 of the SCN9A protein (p.Asp150Asn). This variant is not present in population databases (gnomAD no frequency). This variant has not been reported in the literature in individuals affected with SCN9A-related conditions. Invitae Evidence Modeling of protein sequence and biophysical properties (such as structural, functional, and spatial information, amino acid conservation, physicochemical variation, residue mobility, and thermodynamic stability) indicates that this missense variant is not expected to disrupt SCN9A protein function with a negative predictive value of 95%. In summary, the available evidence is currently insufficient to determine the role of this variant in disease. Therefore, it has been classified as a Variant of Uncertain Significance.